The following is an entry in ClinVar:

NM_000334.4(SCN4A):c.319G>A (p.Ala107Thr)

Gene: SCN4A (sodium voltage-gated channel alpha subunit 4; minus strand). Cytogenetic location: 17q23.3.
Variant type: single nucleotide variant.
Coding change: c.319G>A on transcript NM_000334.4 (MANE Select); coding-DNA position 319, G replaced by A.
Protein change: p.Ala107Thr; replaces alanine 107 with threonine.
Molecular consequence: missense variant.
Genome position (GRCh38, 1-based): chr17:63,972,425, C>T on the plus strand (G>A on the coding strand, the complement: SCN4A is on the minus strand). VCF-style: chr17-63972425-C-T. GRCh37 (hg19) VCF-style: chr17-62049785-C-T.
Other names: short protein forms A107T.
Identifiers: ClinVar variation 2059508 (VCV002059508.4), dbSNP rs538978403, ClinGen allele CA8710203.
Genomic context (GRCh38, chr17:63,972,425, plus strand): 5'-CCTTGATGGCCCCGCGCCTGACTACGCTGAAGGGGCTCAGCAGGTAGAGAGCAGGTGTGG[C>T]GGAGAAGCGGAAGATGGCCTTGCCCTTGTTGAGTACGATGAAGGTCTAAGGTGGGAGAGA-3'
Protein context (NP_000325.4, residues 97-117): NKGKAIFRFS[Ala107Thr]TPALYLLSPF

ClinVar aggregate classification (germline): Uncertain significance (1 of 4 stars; one submission).

Conditions:
Hyperkalemic periodic paralysis. Also called: Familial hyperkalemic periodic paralysis; Gamstorp disease. Identifiers: Orphanet 682, MedGen C0238357, MONDO:0008224, OMIM 170500, HP:0007215.

Allele frequency attached by ClinVar (database versions not stated): gnomAD 0.00001; gnomAD exomes 0.00001; TOPMed 0.00001; ExAC 0.00002; 1000 Genomes Project 0.00020; 1000 Genomes Project 30x 0.00031.
gnomAD v4.1: 19 of 1,613,878 alleles (0.0012%); highest among the groups gnomAD compares: South Asian, 0.0066%; no homozygotes.

Submission:

Labcorp Genetics (formerly Invitae), Labcorp
Classification: Uncertain significance for Hyperkalemic periodic paralysis. Last evaluated: 2025-08-11. Review status: criteria provided, single submitter. Criteria: Invitae Variant Classification Sherloc (09022015). Collection method: clinical testing. Allele origin: germline.
Comment: This sequence change replaces alanine, which is neutral and non-polar, with threonine, which is neutral and polar, at codon 107 of the SCN4A protein (p.Ala107Thr). This variant is present in population databases (rs538978403, gnomAD 0.01%). This variant has not been reported in the literature in individuals affected with SCN4A-related conditions. ClinVar contains an entry for this variant (Variation ID: 2059508). Invitae Evidence Modeling of protein sequence and biophysical properties (such as structural, functional, and spatial information, amino acid conservation, physicochemical variation, residue mobility, and thermodynamic stability) indicates that this missense variant is not expected to disrupt SCN4A protein function with a negative predictive value of 95%. In summary, the available evidence is currently insufficient to determine the role of this variant in disease. Therefore, it has been classified as a Variant of Uncertain Significance.